The following is an entry in ClinVar:

ClinVar aggregate classification (germline): Pathogenic/Likely pathogenic. Review status: criteria provided, multiple submitters, no conflicts (2 of 4 stars). 2 submissions from 2 submitters: Pathogenic (1); Likely pathogenic (1). Last evaluated 2024-12-16.

Conditions:
Usher syndrome type 2A. Also called: RETINAL DISEASE IN USHER SYNDROME TYPE IIA, MODIFIER OF; USHER SYNDROME, TYPE IIA. Identifiers: Orphanet 231178, Orphanet 886, MedGen C1848634, MONDO:0010169, OMIM 276901.
Retinitis pigmentosa 39 (RP39). Identifiers: Orphanet 791, MedGen C3151138, MONDO:0013436, OMIM 613809.

Allele frequency attached by ClinVar (database versions not stated): gnomAD exomes below 0.00001.

Submissions (2):

Labcorp Genetics (formerly Invitae), Labcorp
Classification: Pathogenic. Last evaluated: 2024-12-16. Review status: criteria provided, single submitter. Criteria: Invitae Variant Classification Sherloc (09022015). Collection method: clinical testing. Allele origin: germline.
Comment: This sequence change creates a premature translational stop signal (p.Arg4092Glufs*5) in the USH2A gene. It is expected to result in an absent or disrupted protein product. Loss-of-function variants in USH2A are known to be pathogenic (PMID: 10729113, 10909849, 20507924, 25649381). This variant is present in population databases (no rsID available, gnomAD no frequency). This variant has not been reported in the literature in individuals affected with USH2A-related conditions. ClinVar contains an entry for this variant (Variation ID: 935513). For these reasons, this variant has been classified as Pathogenic.

Fulgent Genetics
Classification: Likely pathogenic for Usher syndrome type 2A; Retinitis pigmentosa 39. Last evaluated: 2024-06-08. Review status: criteria provided, single submitter. Criteria: ACMG Guidelines, 2015. Collection method: clinical testing. Allele origin: germline.

Literature cited by the submitters: PubMed 10729113 (cited by Labcorp Genetics (formerly Invitae), Labcorp); PubMed 10909849 (cited by Labcorp Genetics (formerly Invitae), Labcorp); PubMed 20507924 (cited by Labcorp Genetics (formerly Invitae), Labcorp); PubMed 25649381 (cited by Labcorp Genetics (formerly Invitae), Labcorp).

NM_206933.4(USH2A):c.12274del (p.Arg4092fs)

Gene: USH2A (usherin; minus strand). Cytogenetic location: 1q41.
Variant type: Deletion.
Coding change: c.12274del on transcript NM_206933.4 (MANE Select); coding-DNA position 12274, one base deleted (A; older notation c.12274delA).
Protein change: p.Arg4092fs; shifts the reading frame from arginine 4092.
Molecular consequence: frameshift variant.
Genome position (GRCh38, 1-based): chr1:215,680,169, T deleted on the plus strand (A on the coding strand, the reverse complement: USH2A is on the minus strand). VCF-style (leftmost placement, unchanged base first): chr1-215680168-CT-C. GRCh37 (hg19) VCF-style: chr1-215853510-CT-C.
Other names: short protein forms R4092fs.
Identifiers: ClinVar variation 935513 (VCV000935513.8), dbSNP rs1558051141, ClinGen allele CA529002155.